The following is an entry in ClinVar:

NR_001566.3(TERC):n.450G>T

Gene: TERC (telomerase RNA component; minus strand). Cytogenetic location: 3q26.2.
Variant type: single nucleotide variant.
Molecular consequence: non-coding transcript variant (on NR_001566.3).
Genome position: GRCh38 VCF-style: chr3-169764611-C-A. GRCh37 (hg19) VCF-style: chr3-169482399-C-A.
Identifiers: ClinVar variation 3728220 (VCV003728220.2).

ClinVar aggregate classification (germline): Uncertain significance (1 of 4 stars; one submission).

Conditions:
Dyskeratosis congenita, autosomal dominant 1 (DKCA1). Also called: Dyskeratosis congenita Scoggins type. Identifiers: Orphanet 1775, MedGen C4551974, MONDO:0007485, OMIM 127550. Inheritance: Variable.

Submission:

Labcorp Genetics (formerly Invitae), Labcorp
Classification: Uncertain significance for Dyskeratosis congenita, autosomal dominant 1. Last evaluated: 2024-12-29. Review status: criteria provided, single submitter. Criteria: Invitae Variant Classification Sherloc (09022015). Collection method: clinical testing. Allele origin: germline.
Comment: This variant occurs in the TERC gene, which encodes an RNA molecule that does not result in a protein product. This variant is not present in population databases (gnomAD no frequency). This variant has not been reported in the literature in individuals affected with TERC-related conditions. This variant is located within the BoxH/ACA scaRNA domain of the TERC RNA component, which is required for telomerase activity (PMID: 21844345). In summary, the available evidence is currently insufficient to determine the role of this variant in disease. Therefore, it has been classified as a Variant of Uncertain Significance.

Literature cited by the submitters: PubMed 21844345.